The following is an entry in ClinVar:

ClinVar aggregate classification (germline): Benign. Review status: criteria provided, multiple submitters, no conflicts (2 of 4 stars). 3 submissions from 3 submitters: Benign (2). 1 of the submissions does not count toward it. Last evaluated 2026-02-02.

Conditions:
FASN-related disorder. Also called: FASN-related condition.
Epileptic encephalopathy. Identifiers: MedGen C0543888, HP:0200134.

Allele frequency attached by ClinVar (database versions not stated): ExAC 0.00723; gnomAD 0.02174; ESP Exome Variant Server 0.02222; 1000 Genomes Project 0.02516; TOPMed 0.02549; 1000 Genomes Project 30x 0.02686.
gnomAD v4.1: 6,649 of 1,599,194 alleles (0.42%); highest among the groups gnomAD compares: African/African-American, 8%; 241 homozygotes.

Submissions (15):

Labcorp Genetics (formerly Invitae), Labcorp
Classification: Benign for Epileptic encephalopathy. Last evaluated: 2026-02-02. Review status: criteria provided, single submitter. Criteria: Invitae Variant Classification Sherloc (09022015). Collection method: clinical testing. Allele origin: germline.

Breakthrough Genomics
Classification: Benign. Review status: criteria provided, single submitter. Criteria: ACMG Guidelines, 2015. Collection method: not provided. Allele origin: germline. Inheritance: Unknown mechanism. Affected: yes.

PreventionGenetics, part of Exact Sciences
Classification: Benign for FASN-related condition. Last evaluated: 2019-09-09. Review status: no assertion criteria provided. Collection method: clinical testing. Allele origin: germline. Not counted in ClinVar's aggregate classification.
Comment: This variant is classified as benign based on ACMG/AMP sequence variant interpretation guidelines (Richards et al. 2015 PMID: 25741868, with internal and published modifications).

Dr. Peter K. Rogan Lab, Western University
No classification provided (evidence only). Condition: Lung cancer. Review status: no classification provided. Collection method: in vitro. Allele origin: not applicable. Functional consequence: retained intron. Not counted in ClinVar's aggregate classification.

Dr. Peter K. Rogan Lab, Western University
No classification provided (evidence only). Condition: Uterine corpus endometrial carcinoma. Review status: no classification provided. Collection method: in vitro. Allele origin: not applicable. Functional consequence: retained intron. Not counted in ClinVar's aggregate classification.

Dr. Peter K. Rogan Lab, Western University
No classification provided (evidence only). Condition: Uterine corpus endometrial carcinoma. Review status: no classification provided. Collection method: in vitro. Allele origin: not applicable. Functional consequence: retained intron. Not counted in ClinVar's aggregate classification.

Dr. Peter K. Rogan Lab, Western University
No classification provided (evidence only). Condition: Uterine corpus endometrial carcinoma. Review status: no classification provided. Collection method: in vitro. Allele origin: not applicable. Functional consequence: retained intron. Not counted in ClinVar's aggregate classification.

Dr. Peter K. Rogan Lab, Western University
No classification provided (evidence only). Condition: Uterine corpus endometrial carcinoma. Review status: no classification provided. Collection method: in vitro. Allele origin: not applicable. Functional consequence: retained intron. Not counted in ClinVar's aggregate classification.

Dr. Peter K. Rogan Lab, Western University
No classification provided (evidence only). Condition: Uterine corpus endometrial carcinoma. Review status: no classification provided. Collection method: in vitro. Allele origin: not applicable. Functional consequence: skipped exon, retained intron. Not counted in ClinVar's aggregate classification.

Dr. Peter K. Rogan Lab, Western University
No classification provided (evidence only). Condition: Cervical cancer. Review status: no classification provided. Collection method: in vitro. Allele origin: not applicable. Functional consequence: retained intron. Not counted in ClinVar's aggregate classification.

Dr. Peter K. Rogan Lab, Western University
No classification provided (evidence only). Condition: Cervical cancer. Review status: no classification provided. Collection method: in vitro. Allele origin: not applicable. Functional consequence: retained intron. Not counted in ClinVar's aggregate classification.

Dr. Peter K. Rogan Lab, Western University
No classification provided (evidence only). Condition: Sarcoma. Review status: no classification provided. Collection method: in vitro. Allele origin: not applicable. Functional consequence: retained intron. Not counted in ClinVar's aggregate classification.

Dr. Peter K. Rogan Lab, Western University
No classification provided (evidence only). Condition: Sarcoma. Review status: no classification provided. Collection method: in vitro. Allele origin: not applicable. Functional consequence: retained intron. Not counted in ClinVar's aggregate classification.

Dr. Peter K. Rogan Lab, Western University
No classification provided (evidence only). Condition: Sarcoma. Review status: no classification provided. Collection method: in vitro. Allele origin: not applicable. Functional consequence: skipped exon, retained intron. Not counted in ClinVar's aggregate classification.

Dr. Peter K. Rogan Lab, Western University
No classification provided (evidence only). Condition: Thymoma. Review status: no classification provided. Collection method: in vitro. Allele origin: not applicable. Functional consequence: retained intron. Not counted in ClinVar's aggregate classification.

NM_004104.5(FASN):c.6164-8C>G

Gene: FASN (fatty acid synthase; minus strand). Cytogenetic location: 17q25.3.
Variant type: single nucleotide variant.
Coding change: c.6164-8C>G on transcript NM_004104.5 (MANE Select); 8 bases into the intron before coding-DNA position 6164, C replaced by G.
Molecular consequence: intron variant.
Genome position (GRCh38, 1-based): chr17:82,081,851, G>C on the plus strand (C>G on the coding strand, the complement: FASN is on the minus strand). VCF-style: chr17-82081851-G-C. GRCh37 (hg19) VCF-style: chr17-80039727-G-C.
Identifiers: ClinVar variation 462092 (VCV000462092.16), dbSNP rs76966965, ClinGen allele CA8851384.